The following is an entry in ClinVar:

NM_004933.3(CDH15):c.658C>T (p.Arg220Cys)

Gene: CDH15 (cadherin 15; plus strand). Cytogenetic location: 16q24.3.
Variant type: single nucleotide variant.
Coding change: c.658C>T on transcript NM_004933.3 (MANE Select); coding-DNA position 658, C replaced by T.
Protein change: p.Arg220Cys; replaces arginine 220 with cysteine.
Molecular consequence: missense variant.
Genome position (GRCh38, 1-based): chr16:89,185,328, C>T. VCF-style: chr16-89185328-C-T. GRCh37 (hg19) VCF-style: chr16-89251736-C-T.
Other names: short protein forms R220C.
Identifiers: ClinVar variation 1034133 (VCV001034133.1), dbSNP rs1405526562, ClinGen allele CA397138388.

ClinVar aggregate classification (germline): Uncertain significance (1 of 4 stars; one submission).

Conditions:
Intellectual developmental disorder, autosomal dominant 3. Also called: Intellectual disability, autosomal dominant 3. Identifiers: MedGen C2675488, MONDO:0012946, OMIM 612580.

Allele frequency attached by ClinVar (database versions not stated): gnomAD 0.00001; gnomAD exomes 0.00001 and below 0.00001; TOPMed 0.00001.
gnomAD v4.1: 16 of 1,600,544 alleles (0.001%); highest among the groups gnomAD compares: South Asian, 0.0034%; no homozygotes.

Submission:

Baylor Genetics
Classification: Uncertain significance for Intellectual developmental disorder, autosomal dominant 3. Last evaluated: 2018-04-27. Review status: criteria provided, single submitter. Criteria: ACMG Guidelines, 2015. Collection method: clinical testing. Allele origin: maternal. Affected: yes.
Comment: This variant was determined to be of uncertain significance according to ACMG Guidelines, 2015 [PMID:25741868].